The following is an entry in ClinVar:

ClinVar aggregate classification (germline): Uncertain significance. Review status: criteria provided, multiple submitters, no conflicts (2 of 4 stars). 7 submissions from 7 submitters: Uncertain significance (6). 1 of the submissions does not count toward it. Last evaluated 2025-12-27.

Conditions:
Hereditary cancer-predisposing syndrome. Also called: Neoplastic Syndromes, Hereditary; Hereditary Cancer Syndrome; Tumor predisposition; Hereditary neoplastic syndrome. Identifiers: Orphanet 140162, MedGen C0027672, MeSH D009386, MONDO:0015356.
Familial cancer of breast. Also called: BREAST CANCER, FAMILIAL; hereditary breast carcinoma; Hereditary breast cancer. Identifiers: Orphanet 227535, MedGen C0346153, MONDO:0016419, OMIM 114480. Disease mechanism: loss of function.
Ataxia-telangiectasia syndrome (AT). Also called: Ataxia-telangiectasia, complementation group D; AT, COMPLEMENTATION GROUP C; Ataxia-telangiectasia; ATAXIA-TELANGIECTASIA, COMPLEMENTATION GROUP A; ATAXIA-TELANGIECTASIA, FRESNO VARIANT; Ataxia-telangiectasia, complementation group E. Identifiers: Orphanet 100, MedGen C0004135, MONDO:0008840, OMIM 208900.

Allele frequency attached by ClinVar (database versions not stated): gnomAD exomes 0.00001; TOPMed 0.00002.
gnomAD v4.1: 5 of 1,609,752 alleles (0.00031%); highest among the groups gnomAD compares: Admixed American, 0.0083%; no homozygotes.

Submissions (7):

Labcorp Genetics (formerly Invitae), Labcorp
Classification: Uncertain significance for Ataxia-telangiectasia syndrome. Last evaluated: 2025-12-27. Review status: criteria provided, single submitter. Criteria: Invitae Variant Classification Sherloc (09022015). Collection method: clinical testing. Allele origin: germline.
Comment: This sequence change replaces phenylalanine, which is neutral and non-polar, with leucine, which is neutral and non-polar, at codon 2140 of the ATM protein (p.Phe2140Leu). This variant is present in population databases (rs587780635, gnomAD 0.009%). This missense change has been observed in individual(s) with pancreatic ductal adenocarcinoma, breast and/or ovarian cancer (PMID: 29470806, 33646313, 35171259). ClinVar contains an entry for this variant (Variation ID: 135771). Invitae Evidence Modeling of protein sequence and biophysical properties (such as structural, functional, and spatial information, amino acid conservation, physicochemical variation, residue mobility, and thermodynamic stability) indicates that this missense variant is not expected to disrupt ATM protein function with a negative predictive value of 95%. In summary, the available evidence is currently insufficient to determine the role of this variant in disease. Therefore, it has been classified as a Variant of Uncertain Significance.

Color Diagnostics, LLC DBA Color Health
Classification: Uncertain significance for Hereditary cancer-predisposing syndrome. Last evaluated: 2025-10-29. Review status: criteria provided, single submitter. Criteria: ACMG Guidelines, 2015. Collection method: clinical testing. Allele origin: germline.
Comment: This missense variant replaces phenylalanine with leucine at codon 2140 of the ATM protein. Computational prediction is inconclusive regarding the impact of this variant on protein structure and function. To our knowledge, functional studies have not been reported for this variant. This variant has been reported in individuals affected with breast and/or ovarian and pancreatic cancer (PMID: 29470806, 35171259). This variant has been identified in 5/1457502 chromosomes in the general population by the Genome Aggregation Database (gnomAD). The available evidence is insufficient to determine the role of this variant in disease conclusively. Therefore, this variant is classified as a Variant of Uncertain Significance.

Ambry Genetics
Classification: Uncertain significance for Hereditary cancer-predisposing syndrome. Last evaluated: 2025-03-27. Review status: criteria provided, single submitter. Criteria: Ambry Variant Classification Scheme 2023. Collection method: clinical testing. Allele origin: germline.
Comment: The p.F2140L variant (also known as c.6420C>A), located in coding exon 43 of the ATM gene, results from a C to A substitution at nucleotide position 6420. The phenylalanine at codon 2140 is replaced by leucine, an amino acid with highly similar properties. This variant was identified in 1 of 1009 patients amongst a cohort of Chinese patients with a personal history of pancreatic ductal adenocarcinoma (Yin L et al. JAMA Netw Open, 2022 Feb;5:e2148721). This amino acid position is highly conserved in available vertebrate species. In addition, the in silico prediction for this alteration is inconclusive. Based on the available evidence, the clinical significance of this variant remains unclear.

Quest Diagnostics Nichols Institute San Juan Capistrano
Classification: Uncertain significance. Last evaluated: 2024-12-04. Review status: criteria provided, single submitter. Criteria: Quest Diagnostics criteria. Collection method: clinical testing. Allele origin: unknown.

Baylor Genetics
Classification: Uncertain significance for Familial cancer of breast. Last evaluated: 2023-10-18. Review status: criteria provided, single submitter. Criteria: ACMG Guidelines, 2015. Collection method: clinical testing. Allele origin: unknown.

GeneDx
Classification: Uncertain significance. Last evaluated: 2021-08-11. Review status: criteria provided, single submitter. Criteria: GeneDx Variant Classification Process June 2021. Collection method: clinical testing. Allele origin: germline. Affected: yes.
Comment: Not observed at significant frequency in large population cohorts (Lek 2016); In silico analysis supports that this missense variant does not alter protein structure/function; Observed in an individual undergoing multigene hereditary cancer panel testing (Mu 2016); This variant is associated with the following publications: (PMID: 27720647, 23532176)

Natera, Inc.
Classification: Uncertain significance for Ataxia-telangiectasia. Last evaluated: 2020-09-16. Review status: no assertion criteria provided. Collection method: clinical testing. Allele origin: germline. Not counted in ClinVar's aggregate classification.

Literature cited by the submitters: PubMed 29470806 (cited by Labcorp Genetics (formerly Invitae), Labcorp and Color Diagnostics, LLC DBA Color Health); PubMed 33646313 (cited by Labcorp Genetics (formerly Invitae), Labcorp); PubMed 35171259 (cited by 3 submitters).

NM_000051.4(ATM):c.6420C>A (p.Phe2140Leu)

Genes: ATM (ATM serine/threonine kinase; plus strand), C11orf65 (chromosome 11 open reading frame 65; minus strand). Cytogenetic location: 11q22.3.
Variant type: single nucleotide variant.
Coding change: c.6420C>A on transcript NM_000051.4 (MANE Select); coding-DNA position 6420, C replaced by A.
Protein change: p.Phe2140Leu; replaces phenylalanine 2140 with leucine.
Molecular consequence: missense variant. On other transcripts: intron variant (2).
Genome position (GRCh38, 1-based): chr11:108,320,026, C>A. VCF-style: chr11-108320026-C-A. GRCh37 (hg19) VCF-style: chr11-108190753-C-A.
Other names: c.6420C>A, p.Phe2140Leu (NM_001351834.2); c.641-10955G>T (NM_001330368.2); c.*39-10955G>T (NM_001351110.2); short protein forms F2140L.
Identifiers: ClinVar variation 135771 (VCV000135771.26), dbSNP rs587780635, ClinGen allele CA332348.